The following is an entry in ClinVar:

ClinVar aggregate classification (germline): Uncertain significance (1 of 4 stars; one submission).

gnomAD v4.1: 2 of 1,613,020 alleles (0.00012%); highest among the groups gnomAD compares: Non-Finnish European, 0.00017%; no homozygotes.

Submission:

Labcorp Genetics (formerly Invitae), Labcorp
Classification: Uncertain significance. Last evaluated: 2025-08-26. Review status: criteria provided, single submitter. Criteria: Invitae Variant Classification Sherloc (09022015). Collection method: clinical testing. Allele origin: germline.
Comment: This sequence change affects an acceptor splice site in intron 12 of the MICAL1 gene. It is expected to disrupt RNA splicing. Variants that disrupt the donor or acceptor splice site typically lead to a loss of protein function (PMID: 16199547), however the current clinical and genetic evidence is not sufficient to establish whether loss-of-function variants in MICAL1 cause disease. This variant is not present in population databases (gnomAD no frequency). This variant has not been reported in the literature in individuals affected with MICAL1-related conditions. Experimental studies and prediction algorithms are not available or were not evaluated, and the functional significance of this variant is currently unknown. Algorithms developed to predict the effect of sequence changes on RNA splicing suggest that this variant may disrupt the consensus splice site. In summary, the available evidence is currently insufficient to determine the role of this variant in disease. Therefore, it has been classified as a Variant of Uncertain Significance.

Literature cited by the submitters: PubMed 16199547.

NM_022765.4(MICAL1):c.1665-2A>G

Gene: MICAL1 (microtubule associated monooxygenase, calponin and LIM domain containing 1; minus strand). Cytogenetic location: 6q21.
Variant type: single nucleotide variant.
Coding change: c.1665-2A>G on transcript NM_022765.4 (MANE Select); the canonical splice acceptor site of the intron before coding-DNA position 1665, A replaced by G.
Molecular consequence: splice acceptor variant.
Genome position (GRCh38, 1-based): chr6:109,448,395, T>C on the plus strand (A>G on the coding strand, the complement: MICAL1 is on the minus strand). VCF-style: chr6-109448395-T-C. GRCh37 (hg19) VCF-style: chr6-109769598-T-C.
Other names: c.1722-2A>G (NM_001286613.2); c.1407-2A>G (NM_001159291.2).
Identifiers: ClinVar variation 4700082 (VCV004700082.1).
Genomic context (GRCh38, chr6:109,448,395, plus strand): 5'-CCTTTAGTGCCCAAGCAGTTGCTTCCAGAGCTCCCAGCCCCTGCAGCTCTGAGGGTTCCC[T>C]GTGGGATGTCAGGGAGAAAAGCCAACTAGAGACAAGAACCTAGCCCCACTGAGGGGAGGA-3'